The following is an entry in ClinVar:

NM_006944.3(SPP2):c.124G>A (p.Asp42Asn)

Gene: SPP2 (secreted phosphoprotein 2; plus strand). Cytogenetic location: 2q37.1.
Variant type: single nucleotide variant.
Coding change: c.124G>A on transcript NM_006944.3 (MANE Select); coding-DNA position 124, G replaced by A.
Protein change: p.Asp42Asn; replaces aspartic acid 42 with asparagine.
Molecular consequence: missense variant.
Genome position (GRCh38, 1-based): chr2:234,051,009, G>A. VCF-style: chr2-234051009-G-A. GRCh37 (hg19) VCF-style: chr2-234959653-G-A.
Other names: short protein forms D42N.
Identifiers: ClinVar variation 839757 (VCV000839757.11), dbSNP rs114861790, ClinGen allele CA2183090.
Genomic context (GRCh38, chr2:234,051,009, plus strand): 5'-CCCCATGTGCTTGCGTGTCCAGGTTTCCCAGTGTACGACTACGATCCATCCTCCTTAAGG[G>A]ATGCCCTCAGTGCCTCTGTGGTAAAAGTGAATTCCCAGTCACTGAGTCCGTATCTGTTTC-3'
Protein context (NP_008875.1, residues 32-52): VYDYDPSSLR[Asp42Asn]ALSASVVKVN

ClinVar aggregate classification (germline): Uncertain significance (1 of 4 stars; one submission).

Allele frequency attached by ClinVar (database versions not stated): gnomAD 0.00004 and 0.00007; TOPMed 0.00006; ExAC 0.00011; gnomAD exomes 0.00014; 1000 Genomes Project 30x 0.00062; 1000 Genomes Project 0.00080.
gnomAD v4.1: 58 of 1,613,986 alleles (0.0036%); highest among the groups gnomAD compares: East Asian, 0.13%; no homozygotes.

Submission:

Labcorp Genetics (formerly Invitae), Labcorp
Classification: Uncertain significance. Last evaluated: 2025-09-19. Review status: criteria provided, single submitter. Criteria: Invitae Variant Classification Sherloc (09022015). Collection method: clinical testing. Allele origin: germline.
Comment: This sequence change replaces aspartic acid, which is acidic and polar, with asparagine, which is neutral and polar, at codon 42 of the SPP2 protein (p.Asp42Asn). This variant is present in population databases (rs114861790, gnomAD 0.2%), and has an allele count higher than expected for a pathogenic variant. This variant has not been reported in the literature in individuals affected with SPP2-related conditions. ClinVar contains an entry for this variant (Variation ID: 839757). An algorithm developed to predict the effect of missense changes on protein structure and function (PolyPhen-2) suggests that this variant is likely to be tolerated. In summary, the available evidence is currently insufficient to determine the role of this variant in disease. Therefore, it has been classified as a Variant of Uncertain Significance.